The following is an entry in ClinVar:

ClinVar aggregate classification (germline): Uncertain significance. Review status: criteria provided, multiple submitters, no conflicts (2 of 4 stars). 4 submissions from 4 submitters: Uncertain significance (4). Last evaluated 2025-12-08.

Conditions:
Spastic paraplegia, intellectual disability, nystagmus, and obesity. Also called: Spastic paraplegia, intellectual disability, nystagmus, and obesity;. Identifiers: Orphanet 521390, MedGen C4284592, MONDO:0015007, OMIM 617296.
Ventriculomegaly and arthrogryposis. Identifiers: MedGen C5561973, MONDO:0859184, OMIM 619501.
KIDINS220-related disorder. Also called: KIDINS220-related condition.

Allele frequency attached by ClinVar (database versions not stated): gnomAD exomes 0.00001; ExAC 0.00002; TOPMed 0.00002.

Submissions (4):

Labcorp Genetics (formerly Invitae), Labcorp
Classification: Uncertain significance. Last evaluated: 2025-12-08. Review status: criteria provided, single submitter. Criteria: Invitae Variant Classification Sherloc (09022015). Collection method: clinical testing. Allele origin: germline.
Comment: This sequence change replaces alanine, which is neutral and non-polar, with threonine, which is neutral and polar, at codon 1308 of the KIDINS220 protein (p.Ala1308Thr). This variant is present in population databases (rs748016243, gnomAD 0.003%). This variant has not been reported in the literature in individuals affected with KIDINS220-related conditions. ClinVar contains an entry for this variant (Variation ID: 1298789). An algorithm developed to predict the effect of missense changes on protein structure and function outputs the following: PolyPhen-2: "Benign". The threonine amino acid residue is found in multiple mammalian species, which suggests that this missense change does not adversely affect protein function. In summary, the available evidence is currently insufficient to determine the role of this variant in disease. Therefore, it has been classified as a Variant of Uncertain Significance.

PreventionGenetics, part of Exact Sciences
Classification: Uncertain significance for KIDINS220-related condition. Last evaluated: 2025-01-29. Review status: criteria provided, single submitter. Criteria: ACMG Guidelines, 2015. Collection method: clinical testing. Allele origin: germline.
Comment: The KIDINS220 c.3922G>A variant is predicted to result in the amino acid substitution p.Ala1308Thr. To our knowledge, this variant has not been reported in the literature. This variant is reported in 0.00088% of alleles in individuals of European (Non-Finnish) descent in gnomAD. At this time, the clinical significance of this variant is uncertain due to the absence of conclusive functional and genetic evidence.

Department of Pathology and Laboratory Medicine, Sinai Health System
Classification: Uncertain significance for Spastic paraplegia, intellectual disability, nystagmus, and obesity; Ventriculomegaly and arthrogryposis. Last evaluated: 2022-03-29. Review status: criteria provided, single submitter. Criteria: ACMG Guidelines, 2015. Collection method: research. Allele origin: germline.

CeGaT Center for Human Genetics Tuebingen
Classification: Uncertain significance. Last evaluated: 2021-09-01. Review status: criteria provided, single submitter. Criteria: CeGaT Center For Human Genetics Tuebingen Variant Classification Criteria Version 2. Collection method: clinical testing. Allele origin: germline. Affected: yes. Observed: 1 variant allele.

NM_020738.4(KIDINS220):c.3922G>A (p.Ala1308Thr)

Gene: KIDINS220 (kinase D interacting substrate 220; minus strand). Cytogenetic location: 2p25.1.
Variant type: single nucleotide variant.
Coding change: c.3922G>A on transcript NM_020738.4 (MANE Select); coding-DNA position 3922, G replaced by A.
Protein change: p.Ala1308Thr; replaces alanine 1308 with threonine.
Molecular consequence: missense variant. On other transcripts: non-coding transcript variant (2).
Genome position (GRCh38, 1-based): chr2:8,733,575, C>T on the plus strand (G>A on the coding strand, the complement: KIDINS220 is on the minus strand). VCF-style: chr2-8733575-C-T. GRCh37 (hg19) VCF-style: chr2-8873705-C-T.
Other names: c.3925G>A, p.Ala1309Thr (NM_001348729.2); c.3868G>A, p.Ala1290Thr (NM_001348731.2); c.3865G>A, p.Ala1289Thr (NM_001348732.2, NM_001348738.2); c.3754G>A, p.Ala1252Thr (NM_001348734.2, NM_001348739.2, NM_001348740.2); c.3751G>A, p.Ala1251Thr (NM_001348735.2, NM_001348741.2, NM_001348742.2 and 1 more transcripts); c.3625G>A, p.Ala1209Thr (NM_001348736.2); c.3922G>A (NM_020738.2); short protein forms A1209T, A1251T, A1252T, A1289T, A1290T, A1308T, A1309T.
Identifiers: ClinVar variation 1298789 (VCV001298789.39), dbSNP rs748016243, ClinGen allele CA1519474.